The following is an entry in ClinVar:

NM_201384.3(PLEC):c.5918G>A (p.Arg1973Gln)

Gene: PLEC (plectin; minus strand). Cytogenetic location: 8q24.3.
Variant type: single nucleotide variant.
Coding change: c.5918G>A on transcript NM_201384.3 (MANE Select); coding-DNA position 5918, G replaced by A.
Protein change: p.Arg1973Gln; replaces arginine 1973 with glutamine.
Molecular consequence: missense variant.
Genome position (GRCh38, 1-based): chr8:143,924,011, C>T on the plus strand (G>A on the coding strand, the complement: PLEC is on the minus strand). VCF-style: chr8-143924011-C-T. GRCh37 (hg19) VCF-style: chr8-144998179-C-T.
Other names: c.5999G>A (NM_000445.3); c.5999G>A, p.Arg2000Gln (NM_000445.5); c.5876G>A, p.Arg1959Gln (NM_201378.4); c.5852G>A, p.Arg1951Gln (NM_201379.3); c.6329G>A, p.Arg2110Gln (NM_201380.4); c.5822G>A, p.Arg1941Gln (NM_201381.3); c.5918G>A, p.Arg1973Gln (NM_201382.4); c.5930G>A, p.Arg1977Gln (NM_201383.3); short protein forms R1951Q, R1977Q, R2000Q, R2110Q, R1973Q, R1941Q, R1959Q.
Identifiers: ClinVar variation 471618 (VCV000471618.11), dbSNP rs782680523, ClinGen allele CA4926196.

ClinVar aggregate classification (germline): Uncertain significance. Review status: criteria provided, multiple submitters, no conflicts (2 of 4 stars). 3 submissions from 3 submitters: Uncertain significance (3). Last evaluated 2025-12-17.

Conditions:
Epidermolysis bullosa simplex with nail dystrophy (EBS5D). Identifiers: MedGen C4225309, MONDO:0014661, OMIM 616487.
Epidermolysis bullosa simplex, Ogna type (EBS5A). Also called: Pidermolysis bullosa simplex 5A, Ogna type; EPIDERMOLYSIS BULLOSA SIMPLEX 5A, OGNA TYPE. Identifiers: Orphanet 79401, MedGen C0432317, MONDO:0007555, OMIM 131950.
Autosomal recessive limb-girdle muscular dystrophy type 2Q (LGMDR17). Also called: MUSCULAR DYSTROPHY, LIMB-GIRDLE, AUTOSOMAL RECESSIVE 17. Identifiers: Orphanet 254361, MedGen C3150989, MONDO:0013390, OMIM 613723.
Epidermolysis bullosa simplex 5C, with pyloric atresia (EBS5C). Also called: PLEC-Related Epidermolysis Bullosa with Pyloric Atresia; Epidermolysis bullosa simplex with pyloric atresia; PLEC1-Related Epidermolysis Bullosa with Pyloric Atresia. Identifiers: Orphanet 158684, MedGen C2677349, MONDO:0012807, OMIM 612138.
Epidermolysis bullosa simplex 5B, with muscular dystrophy (EBS5B). Also called: EPIDERMOLYSIS BULLOSA SIMPLEX AND LIMB-GIRDLE MUSCULAR DYSTROPHY; Epidermolysis bullosa simplex with muscular dystrophy. Identifiers: Orphanet 257, MedGen C2931072, MONDO:0009181, OMIM 226670.

Allele frequency attached by ClinVar (database versions not stated): gnomAD 0.00001; ExAC 0.00002; TOPMed 0.00002; gnomAD exomes 0.00004.
gnomAD v4.1: 63 of 1,588,054 alleles (0.004%); highest among the groups gnomAD compares: Non-Finnish European, 0.0049%; no homozygotes.

Submissions (3):

Labcorp Genetics (formerly Invitae), Labcorp
Classification: Uncertain significance for Autosomal recessive limb-girdle muscular dystrophy type 2Q; Epidermolysis bullosa simplex, Ogna type; Epidermolysis bullosa simplex with nail dystrophy; Epidermolysis bullosa simplex 5C, with pyloric atresia; Epidermolysis bullosa simplex 5B, with muscular dystrophy. Last evaluated: 2025-12-17. Review status: criteria provided, single submitter. Criteria: Invitae Variant Classification Sherloc (09022015). Collection method: clinical testing. Allele origin: germline.
Comment: This sequence change replaces arginine, which is basic and polar, with glutamine, which is neutral and polar, at codon 2000 of the PLEC protein (p.Arg2000Gln). This variant is present in population databases (rs782680523, gnomAD 0.007%). This variant has not been reported in the literature in individuals affected with PLEC-related conditions. ClinVar contains an entry for this variant (Variation ID: 471618). Experimental studies and prediction algorithms are not available or were not evaluated, and the functional significance of this variant is currently unknown. In summary, the available evidence is currently insufficient to determine the role of this variant in disease. Therefore, it has been classified as a Variant of Uncertain Significance.

GeneDx
Classification: Uncertain significance. Last evaluated: 2023-06-29. Review status: criteria provided, single submitter. Criteria: GeneDx Variant Classification Process June 2021. Collection method: clinical testing. Allele origin: germline. Affected: yes.
Comment: Not observed at significant frequency in large population cohorts (gnomAD); In silico analysis supports that this missense variant does not alter protein structure/function; Has not been previously published as pathogenic or benign to our knowledge

Revvity Omics, Revvity
Classification: Uncertain significance. Last evaluated: 2020-07-09. Review status: criteria provided, single submitter. Criteria: ACMG Guidelines, 2015. Collection method: clinical testing. Allele origin: germline.